The following is an entry in ClinVar:

ClinVar aggregate classification (germline): Uncertain significance (1 of 4 stars; one submission).

gnomAD v4.1: 1 of 1,579,578 alleles (0.000063%); highest among the groups gnomAD compares: Non-Finnish European, 0.000085%; no homozygotes.

Submission:

Labcorp Genetics (formerly Invitae), Labcorp
Classification: Uncertain significance. Last evaluated: 2024-08-30. Review status: criteria provided, single submitter. Criteria: Invitae Variant Classification Sherloc (09022015). Collection method: clinical testing. Allele origin: germline.
Comment: This sequence change replaces isoleucine, which is neutral and non-polar, with valine, which is neutral and non-polar, at codon 4119 of the ANK3 protein (p.Ile4119Val). This variant is present in population databases (rs780668883, gnomAD 0.001%). This variant has not been reported in the literature in individuals affected with ANK3-related conditions. Invitae Evidence Modeling of protein sequence and biophysical properties (such as structural, functional, and spatial information, amino acid conservation, physicochemical variation, residue mobility, and thermodynamic stability) indicates that this missense variant is not expected to disrupt ANK3 protein function with a negative predictive value of 80%. In summary, the available evidence is currently insufficient to determine the role of this variant in disease. Therefore, it has been classified as a Variant of Uncertain Significance.

NM_020987.5(ANK3):c.12355A>G (p.Ile4119Val)

Gene: ANK3 (ankyrin 3; minus strand). Cytogenetic location: 10q21.2.
Variant type: single nucleotide variant.
Coding change: c.12355A>G on transcript NM_020987.5 (MANE Select); coding-DNA position 12355, A replaced by G.
Protein change: p.Ile4119Val; replaces isoleucine 4119 with valine.
Molecular consequence: missense variant.
Genome position (GRCh38, 1-based): chr10:60,064,253, T>C on the plus strand (A>G on the coding strand, the complement: ANK3 is on the minus strand). VCF-style: chr10-60064253-T-C. GRCh37 (hg19) VCF-style: chr10-61824011-T-C.
Other names: c.1918A>G, p.Ile640Val (NM_001149.4); c.4498A>G, p.Ile1500Val (NM_001204403.2); c.4519A>G, p.Ile1507Val (NM_001204404.2); c.4516A>G, p.Ile1506Val (NM_001320874.2); short protein forms I1500V, I1506V, I1507V, I4119V, I640V.
Identifiers: ClinVar variation 3618880 (VCV003618880.2).